The following is an entry in ClinVar:

NM_001267550.2(TTN):c.44889_44890dup (p.Glu14964fs)

Gene: TTN (titin; minus strand). Cytogenetic location: 2q31.2.
Variant type: Microsatellite.
Coding change: c.44889_44890dup on transcript NM_001267550.2 (MANE Select); coding-DNA positions 44889 to 44890, 2 bases duplicated (TG; older notation c.44889_44890dupTG).
Protein change: p.Glu14964fs; shifts the reading frame from glutamic acid 14964.
Molecular consequence: frameshift variant.
Genome position (GRCh38, 1-based): chr2:178,622,693-178,622,694, CA duplicated on the plus strand (TG on the coding strand, the reverse complement: TTN is on the minus strand); duplicating any 2 consecutive bases within chr2:178,622,693-178,622,697 gives the same sequence; the c. name uses the placement nearest the transcript's 3' end. VCF-style (leftmost placement, unchanged base first): chr2-178622692-T-TCA. GRCh37 (hg19) VCF-style: chr2-179487419-T-TCA.
Other names: c.39966_39967dup, p.Glu13323fs (NM_001256850.1); c.17694_17695dup, p.Glu5899fs (NM_003319.4); c.37185_37186dup, p.Glu12396fs (NM_133378.4); c.18069_18070dup, p.Glu6024fs (NM_133432.3); c.18270_18271dup, p.Glu6091fs (NM_133437.4); short protein forms E12396fs, E13323fs, E5899fs, E6091fs, E14964fs, E6024fs.
Identifiers: ClinVar variation 1512538 (VCV001512538.8), dbSNP rs2154213095, ClinGen allele CA2580614509.
Genomic context (GRCh38, chr2:178,622,692, plus strand): 5'-ATTTGACAGTACAAGATGACAGGTATACAGTCACAGACCTTAGCATTTTCTCGGGAAAGT[T>TCA]CACACTCAAATCGAGCCATTTCTTTTTCTCTAACTTGAAGGTCGGTGAGTGGTCTTAAGA-3'

ClinVar aggregate classification (germline): Likely pathogenic (1 of 4 stars; one submission).

Conditions:
Dilated cardiomyopathy 1G (CMD1G). Identifiers: Orphanet 154, MedGen C1858763, MONDO:0011400, OMIM 604145.
Autosomal recessive limb-girdle muscular dystrophy type 2J (LGMDR10). Also called: Limb-girdle muscular dystrophy, type 2J; MUSCULAR DYSTROPHY, LIMB-GIRDLE, AUTOSOMAL RECESSIVE 10. Identifiers: Orphanet 140922, MedGen C1837342, MONDO:0012127, OMIM 608807.

Submission:

Labcorp Genetics (formerly Invitae), Labcorp
Classification: Likely pathogenic for Dilated cardiomyopathy 1G; Autosomal recessive limb-girdle muscular dystrophy type 2J. Last evaluated: 2024-10-18. Review status: criteria provided, single submitter. Criteria: Invitae Variant Classification Sherloc (09022015). Collection method: clinical testing. Allele origin: germline.
Comment: This sequence change creates a premature translational stop signal (p.Glu14964Valfs*53) in the TTN gene. While this is not anticipated to result in nonsense mediated decay, it is expected to create a truncated TTN protein. This variant is not present in population databases (gnomAD no frequency). This variant has not been reported in the literature in individuals affected with TTN-related conditions. ClinVar contains an entry for this variant (Variation ID: 1512538). This variant is located in the I band of TTN (PMID: 25589632). Truncating variants in this region have been reported in individuals affected with autosomal recessive centronuclear myopathy (PMID: 23975875, internal data). Truncating variants in this region have also been identified in individuals affected with autosomal dominant dilated cardiomyopathy and/or cardio-related conditions (PMID: 27869827, 32964742, internal data). In summary, the currently available evidence indicates that the variant is pathogenic, but additional data are needed to prove that conclusively. Therefore, this variant has been classified as Likely Pathogenic.

Literature cited by the submitters: PubMed 25589632; PubMed 23975875; PubMed 27869827; PubMed 32964742.